The following is an entry in ClinVar:

ClinVar aggregate classification (germline): Benign/Likely benign. Review status: criteria provided, multiple submitters, no conflicts (2 of 4 stars). 3 submissions from 3 submitters: Benign (1); Likely benign (1). 1 of the submissions does not count toward it. Last evaluated 2026-08-01.

Conditions:
SIN3A-related disorder. Also called: SIN3A-related condition.

Allele frequency attached by ClinVar (database versions not stated): gnomAD 0.00087 and 0.00093; TOPMed 0.00089; 1000 Genomes Project 0.00100; ESP Exome Variant Server 0.00123; 1000 Genomes Project 30x 0.00125; gnomAD exomes 0.00014 and 0.00031; ExAC 0.00038.
gnomAD v4.1: 329 of 1,614,152 alleles (0.02%); highest among the groups gnomAD compares: African/African-American, 0.26%; 1 homozygote.

Submissions (3):

CeGaT Center for Human Genetics Tuebingen
Classification: Likely benign. Last evaluated: 2026-08-01. Review status: criteria provided, single submitter. Criteria: CeGaT Center For Human Genetics Tuebingen Variant Classification Criteria Version 2. Collection method: clinical testing. Allele origin: germline. Affected: yes. Observed: 3 variant alleles.
Comment: SIN3A: BP4, BP7, BS1

Labcorp Genetics (formerly Invitae), Labcorp
Classification: Benign. Last evaluated: 2026-01-09. Review status: criteria provided, single submitter. Criteria: Invitae Variant Classification Sherloc (09022015). Collection method: clinical testing. Allele origin: germline.

PreventionGenetics, part of Exact Sciences
Classification: Likely benign for SIN3A-related condition. Last evaluated: 2019-08-06. Review status: no assertion criteria provided. Collection method: clinical testing. Allele origin: germline. Not counted in ClinVar's aggregate classification.
Comment: This variant is classified as likely benign based on ACMG/AMP sequence variant interpretation guidelines (Richards et al. 2015 PMID: 25741868, with internal and published modifications).

NM_001145358.2(SIN3A):c.1140A>G (p.Leu380=)

Gene: SIN3A (SIN3 transcription regulator family member A; minus strand). Cytogenetic location: 15q24.2.
Variant type: single nucleotide variant.
Coding change: c.1140A>G on transcript NM_001145358.2 (MANE Select); coding-DNA position 1140, A replaced by G.
Protein change: p.Leu380=; no amino-acid change (leucine 380 retained).
Molecular consequence: synonymous variant.
Genome position (GRCh38, 1-based): chr15:75,410,155, T>C on the plus strand (A>G on the coding strand, the complement: SIN3A is on the minus strand). VCF-style: chr15-75410155-T-C. GRCh37 (hg19) VCF-style: chr15-75702496-T-C.
Other names: c.1140A>G, p.Leu380= (NM_001145357.2, NM_015477.3).
Identifiers: ClinVar variation 787961 (VCV000787961.29), dbSNP rs147348277, ClinGen allele CA7667741.
Genomic context (GRCh38, chr15:75,410,155, plus strand): 5'-ATAATAGTAAATAGTGTAATTCTTATTAAAAAAACATACCACGGAGCTGTTGGCATCTGG[T>C]AGGAATTGTCCAAACTCTGACAACAAATCTTCCTGGTTTTTAAAGAGACGAGCAACCTGG-3'
Protein context (NP_001138830.1, residues 370-390): EDLLSEFGQF[Leu380=]PDANSSVLLS